The following is an entry in ClinVar:

ClinVar aggregate classification (germline): Uncertain significance (1 of 4 stars; one submission).

Allele frequency attached by ClinVar (database versions not stated): gnomAD exomes below 0.00001; TOPMed below 0.00001; ExAC 0.00001; gnomAD 0.00001.
gnomAD v4.1: 2 of 1,614,062 alleles (0.00012%); highest among the groups gnomAD compares: Non-Finnish European, 0.00017%; no homozygotes.

Submission:

Labcorp Genetics (formerly Invitae), Labcorp
Classification: Uncertain significance. Last evaluated: 2022-02-02. Review status: criteria provided, single submitter. Criteria: Invitae Variant Classification Sherloc (09022015). Collection method: clinical testing. Allele origin: germline.
Comment: This sequence change replaces threonine, which is neutral and polar, with isoleucine, which is neutral and non-polar, at codon 258 of the TIMM50 protein (p.Thr258Ile). In summary, the available evidence is currently insufficient to determine the role of this variant in disease. Therefore, it has been classified as a Variant of Uncertain Significance. Algorithms developed to predict the effect of missense changes on protein structure and function are either unavailable or do not agree on the potential impact of this missense change (SIFT: "Not Available"; PolyPhen-2: "Probably Damaging"; Align-GVGD: "Not Available"). This variant has not been reported in the literature in individuals affected with TIMM50-related conditions. This variant is present in population databases (rs756382236, gnomAD 0.01%).

NM_001001563.5(TIMM50):c.464C>T (p.Thr155Ile)

Gene: TIMM50 (translocase of inner mitochondrial membrane 50; plus strand). Cytogenetic location: 19q13.2.
Variant type: single nucleotide variant.
Coding change: c.464C>T on transcript NM_001001563.5 (MANE Select); coding-DNA position 464, C replaced by T.
Protein change: p.Thr155Ile; replaces threonine 155 with isoleucine.
Molecular consequence: missense variant.
Genome position (GRCh38, 1-based): chr19:39,485,779, C>T. VCF-style: chr19-39485779-C-T. GRCh37 (hg19) VCF-style: chr19-39976419-C-T.
Other names: c.125C>T, p.Thr42Ile (NM_001329559.2); short protein forms T155I, T42I.
Identifiers: ClinVar variation 2092177 (VCV002092177.4), dbSNP rs756382236, ClinGen allele CA9431835.
Genomic context (GRCh38, chr19:39,485,779, plus strand): 5'-TCCCAGACCCTCTGCAGGAACCGTACTACCAGCCACCCTACACGCTCGTTTTGGAGCTCA[C>T]CGGCGTCCTCTTGCATCCTGAGTGGTCGGTGTGTCCCGGGAAACCCAGTGGGTTGGGGAT-3'
Protein context (NP_001001563.2, residues 145-165): QPPYTLVLEL[Thr155Ile]GVLLHPEWSL